The following is an entry in ClinVar:

ClinVar aggregate classification (germline): Benign (0 of 4 stars; one submission).

Conditions:
ATG2B-related disorder. Also called: ATG2B-related condition.

Allele frequency attached by ClinVar (database versions not stated): 1000 Genomes Project 0.00759; 1000 Genomes Project 30x 0.00796; TOPMed 0.01489; ESP Exome Variant Server 0.01664; gnomAD 0.01891; ExAC 0.01893; gnomAD exomes 0.02284.
gnomAD v4.1: 36,025 of 1,613,314 alleles (2.2%); highest among the groups gnomAD compares: Non-Finnish European, 2.5%; 499 homozygotes.

Submission:

PreventionGenetics, part of Exact Sciences
Classification: Benign for ATG2B-related condition. Last evaluated: 2019-03-19. Review status: no assertion criteria provided. Collection method: clinical testing. Allele origin: germline.
Comment: This variant is classified as benign based on ACMG/AMP sequence variant interpretation guidelines (Richards et al. 2015 PMID: 25741868, with internal and published modifications).

NM_018036.7(ATG2B):c.12G>A (p.Pro4=)

Gene: ATG2B (autophagy related 2B; minus strand). Cytogenetic location: 14q32.2.
Variant type: single nucleotide variant.
Coding change: c.12G>A on transcript NM_018036.7 (MANE Select); coding-DNA position 12, G replaced by A.
Protein change: p.Pro4=; no amino-acid change (proline 4 retained).
Molecular consequence: synonymous variant.
Genome position (GRCh38, 1-based): chr14:96,362,965, C>T on the plus strand (G>A on the coding strand, the complement: ATG2B is on the minus strand). VCF-style: chr14-96362965-C-T. GRCh37 (hg19) VCF-style: chr14-96829302-C-T.
Identifiers: ClinVar variation 3056484 (VCV003056484.2), dbSNP rs72706804, ClinGen allele CA7337158.
Genomic context (GRCh38, chr14:96,362,965, plus strand): 5'-GTGGCCCAGGTACCTCTGCAGGAGGTACCGGCAGGCCCTCTTCTTGATGGACTCCGAAAA[C>T]GGCCAAGGCATAGTGACTGCTGGCAGCTGGGCTGACTGCGGCTGCGGGTTGCGACGGCTC-3'
Protein context (NP_060506.6, residues 1-14): MPW[Pro4=]FSESIKKRAC